The following is an entry in ClinVar:

NM_000492.4(CFTR):c.1296T>C (p.Asn432=)

Genes: CFTR (CF transmembrane conductance regulator; plus strand), CFTR-AS1 (CFTR antisense RNA 1; minus strand). Cytogenetic location: 7q31.2.
Variant type: single nucleotide variant.
Coding change: c.1296T>C on transcript NM_000492.4 (MANE Select); coding-DNA position 1296, T replaced by C.
Protein change: p.Asn432=; no amino-acid change (asparagine 432 retained).
Molecular consequence: synonymous variant.
Genome position (GRCh38, 1-based): chr7:117,548,727, T>C. VCF-style: chr7-117548727-T-C. GRCh37 (hg19) VCF-style: chr7-117188781-T-C.
Identifiers: ClinVar variation 1769232 (VCV001769232.6), dbSNP rs1212026854, ClinGen allele CA457227827.

ClinVar aggregate classification (germline): Likely benign. Review status: criteria provided, multiple submitters, no conflicts (2 of 4 stars). 3 submissions from 3 submitters: Likely benign (3). Last evaluated 2025-06-05.

Conditions:
Cystic fibrosis (CF). Also called: MUCOVISCIDOSIS. Identifiers: Orphanet 586, MedGen C0010674, MONDO:0009061, OMIM 219700. Disease mechanism: loss of function.
CFTR-related disorder (CFTR-RD). Also called: CFTR-related disorders; CFTR-related condition. Identifiers: MedGen C5924204, MONDO:7770004.

Submissions (3):

PreventionGenetics, part of Exact Sciences
Classification: Likely benign for CFTR-related condition. Last evaluated: 2025-06-05. Review status: criteria provided, single submitter. Criteria: ACMG Guidelines, 2015. Collection method: clinical testing. Allele origin: germline.
Comment: This variant is classified as likely benign based on ACMG/AMP sequence variant interpretation guidelines (Richards et al. 2015 PMID: 25741868, with internal and published modifications).

Labcorp Genetics (formerly Invitae), Labcorp
Classification: Likely benign for Cystic fibrosis. Last evaluated: 2023-04-22. Review status: criteria provided, single submitter. Criteria: Invitae Variant Classification Sherloc (09022015). Collection method: clinical testing. Allele origin: germline.

Ambry Genetics
Classification: Likely benign for Cystic fibrosis. Last evaluated: 2022-06-30. Review status: criteria provided, single submitter. Criteria: Ambry Variant Classification Scheme 2023. Collection method: clinical testing. Allele origin: germline.